The following is an entry in ClinVar:

NM_001042492.3(NF1):c.239_240del (p.Tyr80fs)

Gene: NF1 (neurofibromin 1; plus strand). Cytogenetic location: 17q11.2.
Variant type: Microsatellite.
Coding change: c.239_240del on transcript NM_001042492.3 (MANE Select); coding-DNA positions 239 to 240, 2 bases deleted (AT; older notation c.239_240delAT).
Protein change: p.Tyr80fs; shifts the reading frame from tyrosine 80.
Molecular consequence: frameshift variant.
Genome position (GRCh38, 1-based): chr17:31,159,044-31,159,045, AT deleted; deleting any 2 consecutive bases within chr17:31,159,041-31,159,045 gives the same sequence; the c. name uses the placement nearest the transcript's 3' end. VCF-style (leftmost placement, unchanged base first): chr17-31159040-TTA-T. GRCh37 (hg19) VCF-style: chr17-29486058-TTA-T.
Other names: c.239_240delAT (NM_000267.3); c.237_238AT[1], p.Tyr80Serfs (NM_000267.4); c.239_240del, p.Tyr80fs (NM_001128147.3); short protein forms Y80fs.
Identifiers: ClinVar variation 1790555 (VCV001790555.3), dbSNP rs2544690503, ClinGen allele CA2580614045.

ClinVar aggregate classification (germline): Pathogenic. Review status: criteria provided, multiple submitters, no conflicts (2 of 4 stars). 2 submissions from 2 submitters: Pathogenic (2). Last evaluated 2024-11-14.

Conditions:
Hereditary cancer-predisposing syndrome. Also called: Neoplastic Syndromes, Hereditary; Tumor predisposition; Hereditary neoplastic syndrome; Hereditary Cancer Syndrome. Identifiers: Orphanet 140162, MedGen C0027672, MeSH D009386, MONDO:0015356.
Cardiovascular phenotype. Identifiers: MedGen CN230736.
Neurofibromatosis, type 1 (NF1). Also called: NEUROFIBROMATOSIS, TYPE I, SOMATIC; Peripheral type neurofibromatosis; VON RECKLINGHAUSEN DISEASE; Neurofibromatosis, type I. Identifiers: Orphanet 636, MedGen C0027831, MONDO:0018975, OMIM 162200. Disease mechanism: loss of function.

Submissions (2):

St. Jude Molecular Pathology, St. Jude Children's Research Hospital
Classification: Pathogenic for Neurofibromatosis, type 1. Last evaluated: 2024-11-14. Review status: criteria provided, single submitter. Criteria: St. Jude Assertion Criteria 2020. Collection method: clinical testing. Allele origin: germline.
Comment: The NF1 c.239_240del (p.Tyr80SerfsTer26) change deletes two nucleotides to cause a frameshift and the creation of a premature stop codon. This change is predicted to cause protein truncation or absence of protein due to nonsense-mediated decay. This variant is also absent in gnomAD v2.1.1. In summary, this variant meets criteria to be classified as pathogenic.

Ambry Genetics
Classification: Pathogenic for Cardiovascular phenotype; Hereditary cancer-predisposing syndrome. Last evaluated: 2019-09-29. Review status: criteria provided, single submitter. Criteria: Ambry Variant Classification Scheme 2023. Collection method: clinical testing. Allele origin: germline.
Comment: The c.239_240delAT pathogenic mutation, located in coding exon 3 of the NF1 gene, results from a deletion of two nucleotides at nucleotide positions 239 to 240, causing a translational frameshift with a predicted alternate stop codon (p.Y80Sfs*26). This alteration is expected to result in loss of function by premature protein truncation or nonsense-mediated mRNA decay. As such, this alteration is interpreted as a disease-causing mutation.